The following is an entry in ClinVar:

ClinVar aggregate classification (germline): Uncertain significance (1 of 4 stars; one submission).

Submission:

GeneDx
Classification: Uncertain significance. Last evaluated: 2024-07-10. Review status: criteria provided, single submitter. Criteria: GeneDx Variant Classification Process June 2021. Collection method: clinical testing. Allele origin: germline. Affected: yes.
Comment: Not observed at significant frequency in large population cohorts (gnomAD); In silico analysis indicates that this missense variant does not alter protein structure/function; Has not been previously published as pathogenic or benign to our knowledge

NM_001184880.2(PCDH19):c.845A>G (p.Asn282Ser)

Gene: PCDH19 (protocadherin 19; minus strand). Cytogenetic location: Xq22.1.
Variant type: single nucleotide variant.
Coding change: c.845A>G on transcript NM_001184880.2 (MANE Select); coding-DNA position 845, A replaced by G.
Protein change: p.Asn282Ser; replaces asparagine 282 with serine.
Molecular consequence: missense variant.
Genome position (GRCh38, 1-based): chrX:100,407,753, T>C on the plus strand (A>G on the coding strand, the complement: PCDH19 is on the minus strand). VCF-style: chrX-100407753-T-C. GRCh37 (hg19) VCF-style: chrX-99662751-T-C.
Other names: c.845A>G, p.Asn282Ser (NM_001105243.2, NM_020766.3); short protein forms N282S.
Identifiers: ClinVar variation 3572597 (VCV003572597.1).
Genomic context (GRCh38, chrX:100,407,753, plus strand): 5'-CCAGTGACAGTGACCAGGCCACTGTGCGGGTCGATCTGAAAGAGCTCGCGCGTGCGGTCG[T>C]TGACGTAGCCATAGAAGGAGTAGACCACCTGGCCGTTGGTGCCCTCGTCTGGATCGCTGG-3'
Protein context (NP_001171809.1, residues 272-292): QVVYSFYGYV[Asn282Ser]DRTRELFQID